The following is an entry in ClinVar:

NM_016213.5(TRIP4):c.21G>C (p.Val7=)

Gene: TRIP4 (thyroid hormone receptor interactor 4; plus strand). Cytogenetic location: 15q22.31.
Variant type: single nucleotide variant.
Coding change: c.21G>C on transcript NM_016213.5 (MANE Select); coding-DNA position 21, G replaced by C.
Protein change: p.Val7=; no amino-acid change (valine 7 retained).
Molecular consequence: synonymous variant. On other transcripts: 5 prime UTR variant (1), non-coding transcript variant (1).
Genome position (GRCh38, 1-based): chr15:64,387,884, G>C. VCF-style: chr15-64387884-G-C. GRCh37 (hg19) VCF-style: chr15-64680083-G-C.
Other names: c.-754G>C (NM_001321924.2).
Identifiers: ClinVar variation 776912 (VCV000776912.15), dbSNP rs35604990, ClinGen allele CA7609266.

ClinVar aggregate classification (germline): Benign. Review status: criteria provided, multiple submitters, no conflicts (2 of 4 stars). 4 submissions from 4 submitters: Benign (3). 1 of the submissions does not count toward it. Last evaluated 2026-02-01.

Conditions:
TRIP4-related disorder. Also called: TRIP4-related disorders; TRIP4-related condition.

Allele frequency attached by ClinVar (database versions not stated): gnomAD exomes 0.00245; ExAC 0.00544; gnomAD 0.01088 and 0.01166; 1000 Genomes Project 0.01158; ESP Exome Variant Server 0.01167; 1000 Genomes Project 30x 0.01218; TOPMed 0.01251.
gnomAD v4.1: 3,066 of 1,548,410 alleles (0.2%); highest among the groups gnomAD compares: African/African-American, 3.7%; 60 homozygotes.

Submissions (4):

Labcorp Genetics (formerly Invitae), Labcorp
Classification: Benign. Last evaluated: 2026-02-01. Review status: criteria provided, single submitter. Criteria: Invitae Variant Classification Sherloc (09022015). Collection method: clinical testing. Allele origin: germline.

GeneDx
Classification: Benign. Last evaluated: 2020-01-24. Review status: criteria provided, single submitter. Criteria: GeneDx Variant Classification Process June 2021. Collection method: clinical testing. Allele origin: germline. Affected: yes.

Breakthrough Genomics
Classification: Benign. Review status: criteria provided, single submitter. Criteria: ACMG Guidelines, 2015. Collection method: not provided. Allele origin: germline. Inheritance: Autosomal recessive inheritance. Affected: yes.

PreventionGenetics, part of Exact Sciences
Classification: Benign for TRIP4-related condition. Last evaluated: 2019-05-14. Review status: no assertion criteria provided. Collection method: clinical testing. Allele origin: germline. Not counted in ClinVar's aggregate classification.
Comment: This variant is classified as benign based on ACMG/AMP sequence variant interpretation guidelines (Richards et al. 2015 PMID: 25741868, with internal and published modifications).